The following is an entry in ClinVar:

NM_004415.4(DSP):c.2130+1G>A

Gene: DSP (desmoplakin; plus strand). Cytogenetic location: 6p24.3.
Variant type: single nucleotide variant.
Coding change: c.2130+1G>A on transcript NM_004415.4 (MANE Select); the canonical splice donor site of the intron after coding-DNA position 2130, G replaced by A.
Molecular consequence: splice donor variant.
Genome position (GRCh38, 1-based): chr6:7,572,069, G>A. VCF-style: chr6-7572069-G-A. GRCh37 (hg19) VCF-style: chr6-7572302-G-A.
Other names: c.2130+1G>A (NM_001319034.2, NM_001008844.3, NM_004415.3).
Identifiers: ClinVar variation 179772 (VCV000179772.18), dbSNP rs727505115, ClinGen allele CA005266.

ClinVar aggregate classification (germline): Pathogenic/Likely pathogenic. Review status: criteria provided, multiple submitters, no conflicts (2 of 4 stars). 9 submissions from 9 submitters: Pathogenic (2); Likely pathogenic (5). 2 of the submissions do not count toward it. Last evaluated 2025-08-06.

Conditions:
DSP-related disorder. Also called: DSP-related condition; DSP-related disorders.
Cardiomyopathy (CMYO). Also called: Cardiomyopathies. Identifiers: Orphanet 167848, MedGen C0878544, MONDO:0004994, HP:0001638. Inheritance: Various modes of inheritance.
Arrhythmogenic right ventricular dysplasia 8 (ARVD8). Also called: ARRHYTHMOGENIC RIGHT VENTRICULAR DYSPLASIA, FAMILIAL, 8; ARRHYTHMOGENIC RIGHT VENTRICULAR CARDIOMYOPATHY 8; Arrhythmogenic Right Ventricular Dysplasia/Cardiomyopathy 8. Identifiers: MedGen C1843896, MONDO:0011831, OMIM 607450.
Arrhythmogenic cardiomyopathy with wooly hair and keratoderma. Also called: PALMOPLANTAR KERATODERMA WITH LEFT VENTRICULAR CARDIOMYOPATHY AND WOOLLY HAIR; Dilated cardiomyopathy with woolly hair and keratoderma; Arrhythmogenic cardiomyopathy with woolly hair and keratoderma; Carvajal syndrome. Identifiers: Orphanet 65282, MedGen C1854063, MONDO:0011581, OMIM 605676.
Primary dilated cardiomyopathy (DCM). Also called: Dilated Cardiomyopathy. Identifiers: Orphanet 217604, MedGen C0007193, MeSH D002311, MONDO:0005021, HP:0001644. Inheritance: Various modes of inheritance.

Submissions (9):

Labcorp Genetics (formerly Invitae), Labcorp
Classification: Likely pathogenic for Arrhythmogenic cardiomyopathy with wooly hair and keratoderma; Arrhythmogenic right ventricular dysplasia 8. Last evaluated: 2025-08-06. Review status: criteria provided, single submitter. Criteria: Invitae Variant Classification Sherloc (09022015). Collection method: clinical testing. Allele origin: germline.
Comment: This sequence change affects a donor splice site in intron 15 of the DSP gene. It is expected to disrupt RNA splicing. Variants that disrupt the donor or acceptor splice site typically lead to a loss of protein function (PMID: 16199547), and loss-of-function variants in DSP are known to be pathogenic (PMID: 20716751, 24503780, 25227139). This variant is not present in population databases (gnomAD no frequency). Disruption of this splice site has been observed in individual(s) with DSP-related conditions (PMID: 27532257, 30847666). ClinVar contains an entry for this variant (Variation ID: 179772). Algorithms developed to predict the effect of sequence changes on RNA splicing suggest that this variant may disrupt the consensus splice site. In summary, the currently available evidence indicates that the variant is pathogenic, but additional data are needed to prove that conclusively. Therefore, this variant has been classified as Likely Pathogenic.

GeneDx
Classification: Pathogenic. Last evaluated: 2024-12-04. Review status: criteria provided, single submitter. Criteria: GeneDx Variant Classification Process June 2021. Collection method: clinical testing. Allele origin: germline.
Comment: Different pathogenic variant affecting the same nucleotide (2130+1 G>C) was reported in a patient with biventricular dilation and premature ventricular contractions; variant segregated with disease in 3 affected relatives (PMID: 20716751); Not observed at significant frequency in large population cohorts (gnomAD); Identified in a patient who underwent genetic testing for arrhythmogenic right ventricular cardiomyopathy (ARVC) (PMID: 30847666); Canonical splice site variant predicted to result in a null allele in a gene for which loss of function is a known mechanism of disease; This variant is associated with the following publications: (PMID: 20716751, 30847666)

Blueprint Genetics
Classification: Pathogenic for DSP-related disorders. Last evaluated: 2024-11-18. Review status: criteria provided, single submitter. Criteria: ACMG Guidelines, 2015. Collection method: clinical testing. Allele origin: germline. Affected: yes. Observed: 1 variant allele.

Color Diagnostics, LLC DBA Color Health
Classification: Likely pathogenic for Cardiomyopathy. Last evaluated: 2023-08-21. Review status: criteria provided, single submitter. Criteria: ACMG Guidelines, 2015. Collection method: clinical testing. Allele origin: germline.
Comment: This variant causes a G to A nucleotide substitution at the +1 position of intron 15 of the DSP gene. Splice site prediction tools predict that this variant may have a significant impact on RNA splicing. Although this prediction has not been confirmed in published RNA studies, this variant is expected to result in an absent or disrupted protein product. This variant has been reported in an individual affected with arrhythmogenic right ventricular cardiomyopathy (PMID: 30847666). This variant has not been identified in the general population by the Genome Aggregation Database (gnomAD). Another variant at the same position, c.2130+1G>C (also known as IVS15+1G>C), has been observed in an individual affected with arrhythmogenic right ventricular cardiomyopathy (PMID: 27532257) and in another individual affected with idiopathic dilated cardiomyopathy (PMID: 20716751). Loss of DSP function is a known mechanism of disease. Based on the available evidence, this variant is classified as Likely Pathogenic.

All of Us Research Program, National Institutes of Health
Classification: Likely pathogenic for Arrhythmogenic cardiomyopathy with wooly hair and keratoderma. Last evaluated: 2023-07-11. Review status: criteria provided, single submitter. Criteria: ACMG Guidelines, 2015. Collection method: clinical testing. Allele origin: germline. Inheritance: Autosomal dominant inheritance. Observed: 1 variant allele, 1 heterozygote.
Comment: The c.2130+1G>A variant of the DSP gene is predicted to affect mRNA splicing and result in an absent or disrupted protein product. Loss-of-function variants in DSP are known to be pathogenic (PMID: 20716751, 24503780, 25227139). A similar variant (c.2130+1G>C) has been reported in 1 adult with biventricular dilation and PVCs and segregated with disease in 3 affected relatives (PMID: 20716751). This variant has not been identified in the general population by the Genome Aggregation Database (gnomAD). Therefore the c.2130+1G>A variant of the DSP gene is classified as likely pathogenic.

This study involves interpretation of variants in research participants for the purpose of population health screening. Participant phenotype was not available at the time of variant classification. Additional details can be found in publication PMID: 35346344, PMCID: PMC8962531

PreventionGenetics, part of Exact Sciences
Classification: Likely pathogenic for DSP-related condition. Last evaluated: 2023-03-09. Review status: criteria provided, single submitter. Criteria: ACMG Guidelines, 2015. Collection method: clinical testing. Allele origin: germline.
Comment: The DSP c.2130+1G>A variant is predicted to disrupt the GT donor site and interfere with normal splicing. This variant was reported in an individual with arrhythmogenic right ventricular cardiomyopathy (supplementary file 2 - van Lint et al. 2019. PubMed ID: 30847666). This variant has not been reported in a large population database, indicating this variant is rare. Variants that disrupt the consensus splice donor site in DSP are expected to be pathogenic. This variant is interpreted as likely pathogenic.

Laboratory for Molecular Medicine, Mass General Brigham Personalized Medicine
Classification: Likely pathogenic for Primary dilated cardiomyopathy. Last evaluated: 2014-05-08. Review status: criteria provided, single submitter. Criteria: LMM Criteria. Collection method: clinical testing. Allele origin: germline. Inheritance: Autosomal dominant inheritance. Observed: 1 variant allele.
Comment: The 2130+1G>A variant in DSP has not been previously reported in individuals wit h cardiomyopathy or in large population studies. This variant occurs in the inv ariant region (+/- 1,2) of the splice consensus sequence and is predicted to cau se altered splicing leading to an abnormal or absent protein. A similar variant (2130+1G>C) has been reported in 1 adult with biventricular dilation and PVCs an d segregated with disease in 3 affected relatives (Elliott 2010). In summary, al though additional studies are required to fully establish its clinical significa nce, the 2130+1G>A variant is likely pathogenic.

Clinical Genetics, Academic Medical Center
Classification: Pathogenic. Review status: no assertion criteria provided. Collection method: clinical testing. Allele origin: germline. Affected: yes. Study: VKGL Data-share Consensus. Not counted in ClinVar's aggregate classification.

Joint Genome Diagnostic Labs from Nijmegen and Maastricht, Radboudumc and MUMC+
Classification: Likely pathogenic. Review status: no assertion criteria provided. Collection method: clinical testing. Allele origin: germline. Affected: yes. Study: VKGL Data-share Consensus. Not counted in ClinVar's aggregate classification.

Literature cited by the submitters: PubMed 16199547 (cited by Labcorp Genetics (formerly Invitae), Labcorp); PubMed 20716751 (cited by 4 submitters); PubMed 24503780 (cited by Labcorp Genetics (formerly Invitae), Labcorp and All of Us Research Program, National Institutes of Health); PubMed 25227139 (cited by Labcorp Genetics (formerly Invitae), Labcorp and All of Us Research Program, National Institutes of Health); PubMed 27532257 (cited by Labcorp Genetics (formerly Invitae), Labcorp and Color Diagnostics, LLC DBA Color Health); PubMed 30847666 (cited by Labcorp Genetics (formerly Invitae), Labcorp and Color Diagnostics, LLC DBA Color Health).